The following is an entry in ClinVar:

ClinVar aggregate classification (germline): Uncertain significance (1 of 4 stars; one submission).

Allele frequency attached by ClinVar (database versions not stated): TOPMed below 0.00001; ExAC 0.00001; gnomAD 0.00001; gnomAD exomes 0.00001.
gnomAD v4.1: 17 of 1,613,968 alleles (0.0011%); highest among the groups gnomAD compares: Non-Finnish European, 0.0013%; no homozygotes.

Submission:

Labcorp Genetics (formerly Invitae), Labcorp
Classification: Uncertain significance. Last evaluated: 2021-08-31. Review status: criteria provided, single submitter. Criteria: Invitae Variant Classification Sherloc (09022015). Collection method: clinical testing. Allele origin: germline.
Comment: In summary, the available evidence is currently insufficient to determine the role of this variant in disease. Therefore, it has been classified as a Variant of Uncertain Significance. Algorithms developed to predict the effect of missense changes on protein structure and function are either unavailable or do not agree on the potential impact of this missense change (SIFT: "Deleterious"; PolyPhen-2: "Possibly Damaging"; Align-GVGD: "Class C0"). This variant has not been reported in the literature in individuals affected with CFB-related conditions. This variant is present in population databases (rs769676273, ExAC 0.002%). This sequence change replaces methionine with isoleucine at codon 394 of the CFB protein (p.Met394Ile). The methionine residue is highly conserved and there is a small physicochemical difference between methionine and isoleucine.

NM_001710.6(CFB):c.1182G>A (p.Met394Ile)

Gene: CFB (complement factor B; plus strand). Cytogenetic location: 6p21.33.
Variant type: single nucleotide variant.
Coding change: c.1182G>A on transcript NM_001710.6 (MANE Select); coding-DNA position 1182, G replaced by A.
Protein change: p.Met394Ile; replaces methionine 394 with isoleucine.
Molecular consequence: missense variant.
Genome position (GRCh38, 1-based): chr6:31,949,256, G>A. VCF-style: chr6-31949256-G-A. GRCh37 (hg19) VCF-style: chr6-31917033-G-A.
Other names: short protein forms M394I.
Identifiers: ClinVar variation 1482332 (VCV001482332.6), dbSNP rs769676273, ClinGen allele CA3728269.